The following is an entry in ClinVar:

ClinVar aggregate classification (germline): Uncertain significance (1 of 4 stars; one submission).

Conditions:
Cortical dysplasia-focal epilepsy syndrome (PTHSL1). Also called: Pitt-Hopkins-like syndrome 1. Identifiers: Orphanet 163681, Orphanet 221150, MedGen C2750246, MONDO:0012400, OMIM 610042.

Submission:

Labcorp Genetics (formerly Invitae), Labcorp
Classification: Uncertain significance for Cortical dysplasia-focal epilepsy syndrome. Last evaluated: 2024-02-26. Review status: criteria provided, single submitter. Criteria: Invitae Variant Classification Sherloc (09022015). Collection method: clinical testing. Allele origin: germline.
Comment: This sequence change replaces alanine, which is neutral and non-polar, with valine, which is neutral and non-polar, at codon 756 of the CNTNAP2 protein (p.Ala756Val). This variant is not present in population databases (gnomAD no frequency). This variant has not been reported in the literature in individuals affected with CNTNAP2-related conditions. ClinVar contains an entry for this variant (Variation ID: 1497028). Algorithms developed to predict the effect of missense changes on protein structure and function output the following: SIFT: "Not Available"; PolyPhen-2: "Benign"; Align-GVGD: "Not Available". The valine amino acid residue is found in multiple mammalian species, which suggests that this missense change does not adversely affect protein function. In summary, the available evidence is currently insufficient to determine the role of this variant in disease. Therefore, it has been classified as a Variant of Uncertain Significance.

NM_014141.6(CNTNAP2):c.2267C>T (p.Ala756Val)

Gene: CNTNAP2 (contactin associated protein 2; plus strand). Cytogenetic location: 7q35.
Variant type: single nucleotide variant.
Coding change: c.2267C>T on transcript NM_014141.6 (MANE Select); coding-DNA position 2267, C replaced by T.
Protein change: p.Ala756Val; replaces alanine 756 with valine.
Molecular consequence: missense variant.
Genome position (GRCh38, 1-based): chr7:147,977,873, C>T. VCF-style: chr7-147977873-C-T. GRCh37 (hg19) VCF-style: chr7-147674965-C-T.
Other names: short protein forms A756V.
Identifiers: ClinVar variation 1497028 (VCV001497028.5), dbSNP rs2116865083, ClinGen allele CA369927575.